The following is an entry in ClinVar:

ClinVar aggregate classification (germline): Uncertain significance (1 of 4 stars; one submission).

Conditions:
Recessive dystrophic epidermolysis bullosa (RDEB). Also called: Epidermolysis Bullosa Distrophica Autosomal Recessive (RDEB); Recessive DEB (RDEB); DYSTROPHIC EPIDERMOLYSIS BULLOSA, AUTOSOMAL RECESSIVE; EPIDERMOLYSIS BULLOSA DYSTROPHICA, HALLOPEAU-SIEMENS TYPE; severe generalized recessive dystrophic epidermolysis bullosa; epidermolysis bullosa dystrophica, autosomal recessive. Identifiers: Orphanet 79408, Orphanet 79409, MedGen C0079474, MONDO:0009179, OMIM 226600.

Submission:

Myriad Genetics, Inc.
Classification: Uncertain significance for Recessive dystrophic epidermolysis bullosa. Last evaluated: 2026-03-23. Review status: criteria provided, single submitter. Criteria: Myriad Autosomal Dominant, Autosomal Recessive and X-Linked Classification Criteria (2023). Collection method: clinical testing. Allele origin: unknown.
Comment: NM_000094.3(COL7A1):c.6542G>T(G2181V) is a missense variant classified as a variant of uncertain significance in the context of dystrophic epidermolysis bullosa. G2181V has not been observed in cases with relevant disease. Relevant functional assessments of this variant are not available in the literature. G2181V has not been observed in referenced population frequency databases. In summary, there is insufficient evidence to classify NM_000094.3(COL7A1):c.6542G>T(G2181V) as pathogenic or benign. Please note: this variant was assessed in the context of healthy population screening.

NM_000094.4(COL7A1):c.6542G>T (p.Gly2181Val)

Gene: COL7A1 (collagen type VII alpha 1 chain; minus strand). Cytogenetic location: 3p21.31.
Variant type: single nucleotide variant.
Coding change: c.6542G>T on transcript NM_000094.4 (MANE Select); coding-DNA position 6542, G replaced by T.
Protein change: p.Gly2181Val; replaces glycine 2181 with valine.
Molecular consequence: missense variant.
Genome position (GRCh38, 1-based): chr3:48,573,721, C>A on the plus strand (G>T on the coding strand, the complement: COL7A1 is on the minus strand). VCF-style: chr3-48573721-C-A. GRCh37 (hg19) VCF-style: chr3-48611154-C-A.
Other names: short protein forms G2181V.
Identifiers: ClinVar variation 5004554 (VCV005004554.1).
Genomic context (GRCh38, chr3:48,573,721, plus strand): 5'-TCACCAGGCAGTGTTCCCTGGTCACTCACCGGGGCACCAGGTGGTCCAGGGTCTCCATGA[C>A]CACCCTGTTGTGGCGAAAAAGAGTCTGATGAGGGGGAGTTAGCCGCACCCCACCAAGGAA-3'
Protein context (NP_000085.1, residues 2171-2191): GPRGPPGPVG[Gly2181Val]HGDPGPPGAP